The following is an entry in ClinVar:

NM_001754.5(RUNX1):c.166T>C (p.Leu56=)

Gene: RUNX1 (RUNX family transcription factor 1; minus strand). Cytogenetic location: 21q22.12.
Variant type: single nucleotide variant.
Coding change: c.166T>C on transcript NM_001754.5 (MANE Select); coding-DNA position 166, T replaced by C.
Protein change: p.Leu56=; no amino-acid change (leucine 56 retained).
Molecular consequence: synonymous variant.
Genome position (GRCh38, 1-based): chr21:34,887,028, A>G on the plus strand (T>C on the coding strand, the complement: RUNX1 is on the minus strand). VCF-style: chr21-34887028-A-G. GRCh37 (hg19) VCF-style: chr21-36259325-A-G.
Other names: NM_001754.5(RUNX1):c.166T>C; p.Leu56=; c.85T>C, p.Leu29= (NM_001001890.3, NM_001122607.2).
Identifiers: ClinVar variation 2103401 (VCV002103401.6), dbSNP rs2517487383, ClinGen allele CA512318953.

ClinVar aggregate classification (germline): Likely benign. Review status: reviewed by expert panel (3 of 4 stars). 3 submissions from 3 submitters: Likely benign (1). 2 of the submissions do not count toward it. Last evaluated 2024-09-10.

Conditions:
Hereditary thrombocytopenia and hematological cancer predisposition syndrome associated with RUNX1. Also called: Familial Platelet Disorder with Propensity to Acute Myelogenous Leukemia; Familial thrombocytopenia with propensity to acute myelogenous leukemia; PLATELET DISORDER, ASPIRIN-LIKE; RUNX1 Familial Platelet Disorder with Associated Myeloid Malignancies. Identifiers: Orphanet 71290, MedGen C1832388, MeSH C563324, MONDO:0100083, OMIM 601399.
Hereditary thrombocytopenia and hematologic cancer predisposition syndrome. Identifiers: Orphanet 71290, MedGen CN281654, MONDO:0011071.
Inborn genetic diseases. Identifiers: MedGen C0950123, MeSH D030342.

Submissions (3):

ClinGen Myeloid Malignancy Variant Curation Expert Panel
Classification: Likely benign for Hereditary thrombocytopenia and hematologic cancer predisposition syndrome. Last evaluated: 2024-09-10. Review status: reviewed by expert panel. Criteria: ClinGen MyeloMalig ACMG Specifications v2. Collection method: curation. Allele origin: germline. Inheritance: Autosomal dominant inheritance.
Comment: NM_001754.5(RUNX1):c.166T>C (p.Leu56=) is a synonymous variant which has a SpliceAI score ≤ 0.20 (0.02) (BP4). This variant has a SpliceAI score ≤ 0.20 and evolutionary conservation algorithms predict the site as not being conserved (PhyloP score ≤ 2.0 (1.496)) (BP7). This variant is completely absent from all population databases with at least 20x coverage for RUNX1 (PM2_Supporting). In summary, this variant meets criteria to be classified as likely benign. ACMG/AMP criteria applied, as specified by the Myeloid Malignancy Variant Curation Expert Panel for RUNX1: BP4, BP7, PM2_supporting.

Ambry Genetics
Classification: Likely benign for Inborn genetic diseases. Last evaluated: 2025-02-02. Review status: criteria provided, single submitter. Criteria: Ambry Variant Classification Scheme 2023. Collection method: clinical testing. Allele origin: germline. Not counted in ClinVar's aggregate classification.

Labcorp Genetics (formerly Invitae), Labcorp
Classification: Likely benign for Hereditary thrombocytopenia and hematological cancer predisposition syndrome associated with RUNX1. Last evaluated: 2022-03-01. Review status: criteria provided, single submitter. Criteria: Invitae Variant Classification Sherloc (09022015). Collection method: clinical testing. Allele origin: germline. Not counted in ClinVar's aggregate classification.